The following is an entry in ClinVar:

NM_020975.6(RET):c.964G>C (p.Asp322His)

Gene: RET (ret proto-oncogene; plus strand). Cytogenetic location: 10q11.21.
Variant type: single nucleotide variant.
Coding change: c.964G>C on transcript NM_020975.6 (MANE Select); coding-DNA position 964, G replaced by C.
Protein change: p.Asp322His; replaces aspartic acid 322 with histidine.
Molecular consequence: missense variant. On other transcripts: intron variant (25).
Genome position (GRCh38, 1-based): chr10:43,106,472, G>C. VCF-style: chr10-43106472-G-C. GRCh37 (hg19) VCF-style: chr10-43601920-G-C.
Other names: c.338-5627G>C (NM_001406790.1, NM_001406788.1, NM_001406789.1 and 1 more transcripts); c.74-2559G>C (NM_001406784.1); c.74-5627G>C (NM_001406794.1, NM_001406792.1, NM_001406793.1); c.202G>C, p.Asp68His (NM_001355216.2); c.964G>C, p.Asp322His (NM_001406743.1, NM_001406744.1, NM_001406759.1 and 4 more transcripts); c.835G>C, p.Asp279His (NM_001406761.1, NM_001406762.1, NM_001406764.1 and 1 more transcripts); c.676G>C, p.Asp226His (NM_001406766.1, NM_001406767.1, NM_001406770.1); c.867+1279G>C (NM_001406772.1, NM_001406769.1); and 5 more; short protein forms D279H, D226H, D68H, D322H.
Identifiers: ClinVar variation 3432229 (VCV003432229.1).
Genomic context (GRCh38, chr10:43,106,472, plus strand): 5'-GACGTGGTACCTGCATCAGGGGAGCTGGTGAGGCGGTACACAAGCACGCTGCTCCCCGGG[G>C]ACACCTGGGCCCAGCAGACCTTCCGGGTGGAACACTGGCCCAACGAGACCTCGGTCCAGG-3'
Protein context (NP_066124.1, residues 312-332): RRYTSTLLPG[Asp322His]TWAQQTFRVE

ClinVar aggregate classification (germline): Uncertain significance (1 of 4 stars; one submission).

Conditions:
Hereditary cancer-predisposing syndrome. Also called: Neoplastic Syndromes, Hereditary; Tumor predisposition; Hereditary Cancer Syndrome; Hereditary neoplastic syndrome. Identifiers: Orphanet 140162, MedGen C0027672, MeSH D009386, MONDO:0015356.

Submission:

Ambry Genetics
Classification: Uncertain significance for Hereditary cancer-predisposing syndrome. Last evaluated: 2024-06-28. Review status: criteria provided, single submitter. Criteria: Ambry Variant Classification Scheme 2023. Collection method: clinical testing. Allele origin: germline.
Comment: The p.D322H variant (also known as c.964G>C), located in coding exon 5 of the RET gene, results from a G to C substitution at nucleotide position 964. The aspartic acid at codon 322 is replaced by histidine, an amino acid with similar properties. This amino acid position is conserved. In addition, this alteration is predicted to be deleterious by in silico analysis. Based on the available evidence, the clinical significance of this variant remains unclear.